The following is an entry in ClinVar:

ClinVar aggregate classification (germline): Likely benign. Review status: criteria provided, single submitter (1 of 4 stars). 2 submissions from 2 submitters: Likely benign (1). 1 of the submissions does not count toward it. Last evaluated 2022-02-24.

Conditions:
DHX37-related disorder. Also called: DHX37-related condition; DHX37-Related Disorders.

Allele frequency attached by ClinVar (database versions not stated): gnomAD 0.00002; TOPMed 0.00002; ExAC 0.00003.
gnomAD v4.1: 16 of 1,609,566 alleles (0.00099%); highest among the groups gnomAD compares: East Asian, 0.0045%; no homozygotes.

Submissions (2):

Blueprint Genetics
Classification: Likely benign. Last evaluated: 2022-02-24. Review status: criteria provided, single submitter. Criteria: ACMG Guidelines, 2015. Collection method: clinical testing. Allele origin: germline.

PreventionGenetics, part of Exact Sciences
Classification: Likely benign for DHX37-related condition. Last evaluated: 2020-02-20. Review status: no assertion criteria provided. Collection method: clinical testing. Allele origin: germline. Not counted in ClinVar's aggregate classification.
Comment: This variant is classified as likely benign based on ACMG/AMP sequence variant interpretation guidelines (Richards et al. 2015 PMID: 25741868, with internal and published modifications).

NM_032656.4(DHX37):c.2559C>T (p.Gly853=)

Gene: DHX37 (DEAH-box helicase 37; minus strand). Cytogenetic location: 12q24.31.
Variant type: single nucleotide variant.
Coding change: c.2559C>T on transcript NM_032656.4 (MANE Select); coding-DNA position 2559, C replaced by T.
Protein change: p.Gly853=; no amino-acid change (glycine 853 retained).
Molecular consequence: synonymous variant.
Genome position (GRCh38, 1-based): chr12:124,954,106, G>A on the plus strand (C>T on the coding strand, the complement: DHX37 is on the minus strand). VCF-style: chr12-124954106-G-A. GRCh37 (hg19) VCF-style: chr12-125438652-G-A.
Identifiers: ClinVar variation 3051964 (VCV003051964.3), dbSNP rs770021642, ClinGen allele CA6871599.